The following is an entry in ClinVar:

ClinVar aggregate classification (germline): Uncertain significance. Review status: criteria provided, multiple submitters, no conflicts (2 of 4 stars). 5 submissions from 5 submitters: Uncertain significance (5). Last evaluated 2025-12-29.

Conditions:
Familial adenomatous polyposis 3. Also called: NTHL1-related attenuated familial adenomatous polyposis; NTHL1-Related Adenomatous Polyposis and Colorectal Cancer; NTHL1-associated polyposis; NTHL1 Tumor Syndrome. Identifiers: Orphanet 220460, Orphanet 454840, MedGen C4225157, MONDO:0014630, OMIM 616415.
Hereditary cancer-predisposing syndrome. Also called: Neoplastic Syndromes, Hereditary; Hereditary neoplastic syndrome; Tumor predisposition; Hereditary Cancer Syndrome. Identifiers: Orphanet 140162, MedGen C0027672, MeSH D009386, MONDO:0015356.

Allele frequency attached by ClinVar (database versions not stated): TOPMed 0.00001.
gnomAD v4.1: 6 of 1,613,120 alleles (0.00037%); highest among the groups gnomAD compares: Non-Finnish European, 0.00051%; no homozygotes.

Submissions (5):

Center for Genomic Medicine, Rigshospitalet, Copenhagen University Hospital
Classification: Uncertain significance. Last evaluated: 2025-12-29. Review status: criteria provided, single submitter. Criteria: ACMG Guidelines, 2015. Collection method: clinical testing. Allele origin: germline.

Ambry Genetics
Classification: Uncertain significance for Hereditary cancer-predisposing syndrome. Last evaluated: 2025-07-06. Review status: criteria provided, single submitter. Criteria: Ambry Variant Classification Scheme 2023. Collection method: clinical testing. Allele origin: germline.
Comment: The p.N98S variant (also known as c.293A>G), located in coding exon 2 of the NTHL1 gene, results from an A to G substitution at nucleotide position 293. The asparagine at codon 98 is replaced by serine, an amino acid with highly similar properties. This amino acid position is not well conserved in available vertebrate species. In addition, this alteration is predicted to be tolerated by in silico analysis. Since supporting evidence is limited at this time, the clinical significance of this alteration remains unclear.

Labcorp Genetics (formerly Invitae), Labcorp
Classification: Uncertain significance. Last evaluated: 2024-07-30. Review status: criteria provided, single submitter. Criteria: Invitae Variant Classification Sherloc (09022015). Collection method: clinical testing. Allele origin: germline.
Comment: This sequence change replaces asparagine, which is neutral and polar, with serine, which is neutral and polar, at codon 98 of the NTHL1 protein (p.Asn98Ser). This variant is not present in population databases (gnomAD no frequency). This variant has not been reported in the literature in individuals affected with NTHL1-related conditions. ClinVar contains an entry for this variant (Variation ID: 860374). An algorithm developed to predict the effect of missense changes on protein structure and function (PolyPhen-2) suggests that this variant is likely to be tolerated. In summary, the available evidence is currently insufficient to determine the role of this variant in disease. Therefore, it has been classified as a Variant of Uncertain Significance.

Baylor Genetics
Classification: Uncertain significance for Familial adenomatous polyposis 3. Last evaluated: 2024-02-16. Review status: criteria provided, single submitter. Criteria: ACMG Guidelines, 2015. Collection method: clinical testing. Allele origin: unknown.

Sema4
Classification: Uncertain significance for Hereditary cancer-predisposing syndrome. Last evaluated: 2022-01-13. Review status: criteria provided, single submitter. Criteria: Sema4 Curation Guidelines. Collection method: curation. Allele origin: germline.
Comment: The NTHL1 c.293A>G (p.N98S) variant has not been reported in the literature to our knowledge. It was not observed in the large and broad cohorts of the Genome Aggregation Database (PMID: 32461654). The variant has been reported in ClinVar (Variation ID 860374). In silico tools suggest the impact of the variant on protein function is benign, though these predictions have not been confirmed by functional studies. The evidence is insufficient to meet ACMG/AMP criteria for classifying the variant as benign or pathogenic. Thus, the clinical significance of this variant is currently uncertain.

NM_002528.7(NTHL1):c.269A>G (p.Asn90Ser)

Gene: NTHL1 (nth like DNA glycosylase 1; minus strand). Cytogenetic location: 16p13.3.
Variant type: single nucleotide variant.
Coding change: c.269A>G on transcript NM_002528.7 (MANE Select); coding-DNA position 269, A replaced by G.
Protein change: p.Asn90Ser; replaces asparagine 90 with serine.
Molecular consequence: missense variant. On other transcripts: intron variant (1).
Genome position (GRCh38, 1-based): chr16:2,046,213, T>C on the plus strand (A>G on the coding strand, the complement: NTHL1 is on the minus strand). VCF-style: chr16-2046213-T-C. GRCh37 (hg19) VCF-style: chr16-2096214-T-C.
Other names: c.269A>G, p.Asn90Ser (NM_001318193.2); c.24+67A>G (NM_001318194.2); short protein forms N90S.
Identifiers: ClinVar variation 860374 (VCV000860374.22), dbSNP rs1442043769, ClinGen allele CA394296901.